The following is an entry in ClinVar:

NM_178452.6(DNAAF1):c.1124T>C (p.Met375Thr)

Gene: DNAAF1 (dynein axonemal assembly factor 1; plus strand). Cytogenetic location: 16q24.1.
Variant type: single nucleotide variant.
Coding change: c.1124T>C on transcript NM_178452.6 (MANE Select); coding-DNA position 1124, T replaced by C.
Protein change: p.Met375Thr; replaces methionine 375 with threonine.
Molecular consequence: missense variant.
Genome position (GRCh38, 1-based): chr16:84,169,952, T>C. VCF-style: chr16-84169952-T-C. GRCh37 (hg19) VCF-style: chr16-84203558-T-C.
Other names: c.1124T>C (NM_178452.4); c.416T>C, p.Met139Thr (NM_001318756.1); short protein forms M375T, M139T.
Identifiers: ClinVar variation 2189638 (VCV002189638.4), dbSNP rs1033218638, ClinGen allele CA285523515.

ClinVar aggregate classification (germline): Uncertain significance. Review status: criteria provided, multiple submitters, no conflicts (2 of 4 stars). 2 submissions from 2 submitters: Uncertain significance (2). Last evaluated 2025-04-20.

Conditions:
Primary ciliary dyskinesia. Also called: Ciliary dyskinesia. Identifiers: Orphanet 244, MedGen C0008780, MONDO:0016575, HP:0012265.

Allele frequency attached by ClinVar (database versions not stated): TOPMed below 0.00001; gnomAD exomes 0.00001.
gnomAD v4.1: 5 of 1,614,100 alleles (0.00031%); highest among the groups gnomAD compares: Middle Eastern, 0.084%; no homozygotes.

Submissions (2):

Ambry Genetics
Classification: Uncertain significance for Primary ciliary dyskinesia. Last evaluated: 2025-04-20. Review status: criteria provided, single submitter. Criteria: Ambry Variant Classification Scheme 2023. Collection method: clinical testing. Allele origin: germline.

Labcorp Genetics (formerly Invitae), Labcorp
Classification: Uncertain significance for Primary ciliary dyskinesia. Last evaluated: 2022-02-03. Review status: criteria provided, single submitter. Criteria: Invitae Variant Classification Sherloc (09022015). Collection method: clinical testing. Allele origin: germline.
Comment: In summary, the available evidence is currently insufficient to determine the role of this variant in disease. Therefore, it has been classified as a Variant of Uncertain Significance. Algorithms developed to predict the effect of missense changes on protein structure and function output the following: SIFT: "Tolerated"; PolyPhen-2: "Benign"; Align-GVGD: "Class C0". The threonine amino acid residue is found in multiple mammalian species, which suggests that this missense change does not adversely affect protein function. This sequence change replaces methionine, which is neutral and non-polar, with threonine, which is neutral and polar, at codon 375 of the DNAAF1 protein (p.Met375Thr). This variant is not present in population databases (gnomAD no frequency). This variant has not been reported in the literature in individuals affected with DNAAF1-related conditions.